The following is an entry in ClinVar:

NM_032119.4(ADGRV1):c.2123G>A (p.Gly708Asp)

Gene: ADGRV1 (adhesion G protein-coupled receptor V1; plus strand). Cytogenetic location: 5q14.3.
Variant type: single nucleotide variant.
Coding change: c.2123G>A on transcript NM_032119.4 (MANE Select); coding-DNA position 2123, G replaced by A.
Protein change: p.Gly708Asp; replaces glycine 708 with aspartic acid.
Molecular consequence: missense variant. On other transcripts: non-coding transcript variant (1).
Genome position (GRCh38, 1-based): chr5:90,637,831, G>A. VCF-style: chr5-90637831-G-A. GRCh37 (hg19) VCF-style: chr5-89933648-G-A.
Other names: c.2123G>A (NM_032119.3); short protein forms G708D.
Identifiers: ClinVar variation 1006430 (VCV001006430.10), dbSNP rs752509634, ClinGen allele CA360383969.
Genomic context (GRCh38, chr5:90,637,831, plus strand): 5'-TCTACTGGAGTTTGAAGCCCTCTGGCTTTAATTCAAAAGCAGTGACCCCGGATGATATAG[G>A]CCCCTTTAATGGCTCTGTTTTGTTTTTATCTGGGCAAAGTGACACAACAATCAACATTAC-3'
Protein context (NP_115495.3, residues 698-718): NSKAVTPDDI[Gly708Asp]PFNGSVLFLS

ClinVar aggregate classification (germline): Uncertain significance. Review status: criteria provided, multiple submitters, no conflicts (2 of 4 stars). 2 submissions from 2 submitters: Uncertain significance (2). Last evaluated 2024-10-29.

Allele frequency attached by ClinVar (database versions not stated): TOPMed below 0.00001.

Submissions (2):

GeneDx
Classification: Uncertain significance. Last evaluated: 2024-10-29. Review status: criteria provided, single submitter. Criteria: GeneDx Variant Classification Process June 2021. Collection method: clinical testing. Allele origin: germline. Affected: yes.
Comment: Not observed at significant frequency in large population cohorts (gnomAD); In silico analysis indicates that this missense variant does not alter protein structure/function; Has not been previously published as pathogenic or benign to our knowledge

Labcorp Genetics (formerly Invitae), Labcorp
Classification: Uncertain significance. Last evaluated: 2024-09-15. Review status: criteria provided, single submitter. Criteria: Invitae Variant Classification Sherloc (09022015). Collection method: clinical testing. Allele origin: germline.
Comment: This sequence change replaces glycine, which is neutral and non-polar, with aspartic acid, which is acidic and polar, at codon 708 of the ADGRV1 protein (p.Gly708Asp). This variant is not present in population databases (gnomAD no frequency). This variant has not been reported in the literature in individuals affected with ADGRV1-related conditions. ClinVar contains an entry for this variant (Variation ID: 1006430). Invitae Evidence Modeling of protein sequence and biophysical properties (such as structural, functional, and spatial information, amino acid conservation, physicochemical variation, residue mobility, and thermodynamic stability) indicates that this missense variant is not expected to disrupt ADGRV1 protein function with a negative predictive value of 80%. In summary, the available evidence is currently insufficient to determine the role of this variant in disease. Therefore, it has been classified as a Variant of Uncertain Significance.